The following is an entry in ClinVar:

ClinVar aggregate classification (germline): Uncertain significance. Review status: criteria provided, multiple submitters, no conflicts (2 of 4 stars). 2 submissions from 2 submitters: Uncertain significance (2). Last evaluated 2025-10-01.

Conditions:
Joubert syndrome 21 (JBTS21). Identifiers: MedGen C3810212, MONDO:0014288, OMIM 615636.
Inborn genetic diseases. Identifiers: MedGen C0950123, MeSH D030342.

Allele frequency attached by ClinVar (database versions not stated): gnomAD exomes 0.00001 and 0.00002.
gnomAD v4.1: 28 of 1,614,202 alleles (0.0017%); highest among the groups gnomAD compares: South Asian, 0.0044%; no homozygotes.

Submissions (2):

Ambry Genetics
Classification: Uncertain significance for Inborn genetic diseases. Last evaluated: 2025-10-01. Review status: criteria provided, single submitter. Criteria: Ambry Variant Classification Scheme 2023. Collection method: clinical testing. Allele origin: germline.

Labcorp Genetics (formerly Invitae), Labcorp
Classification: Uncertain significance for Joubert syndrome 21. Last evaluated: 2021-08-28. Review status: criteria provided, single submitter. Criteria: Invitae Variant Classification Sherloc (09022015). Collection method: clinical testing. Allele origin: germline.
Comment: This sequence change replaces arginine with histidine at codon 1191 of the CSPP1 protein (p.Arg1191His). The arginine residue is highly conserved and there is a small physicochemical difference between arginine and histidine. This variant is not present in population databases (ExAC no frequency). This variant has not been reported in the literature in individuals affected with CSPP1-related conditions. Algorithms developed to predict the effect of missense changes on protein structure and function output the following: SIFT: "Deleterious"; PolyPhen-2: "Benign"; Align-GVGD: "Class C0". The histidine amino acid residue is found in multiple mammalian species, which suggests that this missense change does not adversely affect protein function. In summary, the available evidence is currently insufficient to determine the role of this variant in disease. Therefore, it has been classified as a Variant of Uncertain Significance.

NM_001382391.1(CSPP1):c.3587G>A (p.Arg1196His)

Genes: ARFGEF1 (ARF guanine nucleotide exchange factor 1; minus strand), CSPP1 (centrosome and spindle pole associated protein 1; plus strand). Cytogenetic location: 8q13.2.
Variant type: single nucleotide variant.
Coding change: c.3587G>A on transcript NM_001382391.1 (MANE Select); coding-DNA position 3587, G replaced by A.
Protein change: p.Arg1196His; replaces arginine 1196 with histidine.
Molecular consequence: missense variant. On other transcripts: 3 prime UTR variant (1), intron variant (2).
Genome position (GRCh38, 1-based): chr8:67,195,499, G>A. VCF-style: chr8-67195499-G-A. GRCh37 (hg19) VCF-style: chr8-68107734-G-A.
Other names: c.2537G>A, p.Arg846His (NM_001291339.2); c.3506G>A, p.Arg1169His (NM_001363131.2); c.3392G>A, p.Arg1131His (NM_001363132.2); c.3311G>A, p.Arg1104His (NM_001363133.2); c.3653G>A, p.Arg1218His (NM_001364869.1); c.3473G>A, p.Arg1158His (NM_001364870.1); c.3419G>A, p.Arg1140His (NM_001438330.1); c.*79G>A (NM_001438331.1); and 4 more; short protein forms R1131H, R1158H, R1191H, R846H, R1196H, R1104H, R1169H, R1218H.
Identifiers: ClinVar variation 1042214 (VCV001042214.7), dbSNP rs1241589485, ClinGen allele CA371204415.